The following is an entry in ClinVar:

ClinVar aggregate classification (germline): Uncertain significance (1 of 4 stars; one submission).

Conditions:
SLX4-related disorder. Also called: SLX4-related condition.

Submission:

PreventionGenetics, part of Exact Sciences
Classification: Uncertain significance for SLX4-related condition. Last evaluated: 2025-08-27. Review status: criteria provided, single submitter. Criteria: ACMG Guidelines, 2015. Collection method: clinical testing. Allele origin: germline.
Comment: The SLX4 c.2068C>G variant is predicted to result in the amino acid substitution p.Leu690Val. To our knowledge, this variant has not been reported in the literature or in a large population database (gnomAD), indicating this variant is rare. At this time, the clinical significance of this variant is uncertain due to the absence of conclusive functional and genetic evidence.

NM_032444.4(SLX4):c.2068C>G (p.Leu690Val)

Gene: SLX4 (SLX4 structure-specific endonuclease subunit; minus strand). Cytogenetic location: 16p13.3.
Variant type: single nucleotide variant.
Coding change: c.2068C>G on transcript NM_032444.4 (MANE Select); coding-DNA position 2068, C replaced by G.
Protein change: p.Leu690Val; replaces leucine 690 with valine.
Molecular consequence: missense variant.
Genome position (GRCh38, 1-based): chr16:3,594,545, G>C on the plus strand (C>G on the coding strand, the complement: SLX4 is on the minus strand). VCF-style: chr16-3594545-G-C. GRCh37 (hg19) VCF-style: chr16-3644546-G-C.
Other names: short protein forms L690V.
Identifiers: ClinVar variation 4993924 (VCV004993924.1).